The following is an entry in ClinVar:

ClinVar aggregate classification (germline): Pathogenic (1 of 4 stars; one submission).

Conditions:
Anterior segment dysgenesis. Also called: Ocular anterior segment dysgenesis. Identifiers: Orphanet 88632, MedGen C1862839, MONDO:0019503, HP:0007700.
Congenital primary aphakia. Also called: Anterior segment dysgenesis 2, multiple subtypes; ANTERIOR SEGMENT DYSGENESIS 2. Identifiers: Orphanet 83461, MedGen C1853230, MONDO:0012456, OMIM 610256.

Submission:

Labcorp Genetics (formerly Invitae), Labcorp
Classification: Pathogenic for Anterior segment dysgenesis; Congenital primary aphakia. Last evaluated: 2023-04-24. Review status: criteria provided, single submitter. Criteria: Invitae Variant Classification Sherloc (09022015). Collection method: clinical testing. Allele origin: germline.
Comment: This variant has not been reported in the literature in individuals affected with FOXE3-related conditions. This variant is not present in population databases (gnomAD no frequency). This sequence change creates a premature translational stop signal (p.Glu236*) in the FOXE3 gene. While this is not anticipated to result in nonsense mediated decay, it is expected to disrupt the last 84 amino acid(s) of the FOXE3 protein. This variant disrupts a region of the FOXE3 protein in which other variant(s) (p.Cys240*) have been determined to be pathogenic (PMID: 16826526, 34046667). This suggests that this is a clinically significant region of the protein, and that variants that disrupt it are likely to be disease-causing. For these reasons, this variant has been classified as Pathogenic.

Literature cited by the submitters: PubMed 16826526; PubMed 34046667.

NM_012186.3(FOXE3):c.706G>T (p.Glu236Ter)

Genes: FOXE3 (forkhead box E3; plus strand), LINC01389 (long independently transcribed non-coding RNA 1389; minus strand). Cytogenetic location: 1p33.
Variant type: single nucleotide variant.
Coding change: c.706G>T on transcript NM_012186.3 (MANE Select); coding-DNA position 706, G replaced by T.
Protein change: p.Glu236Ter; replaces glutamic acid 236 with a stop codon.
Molecular consequence: nonsense.
Genome position (GRCh38, 1-based): chr1:47,417,021, G>T. VCF-style: chr1-47417021-G-T. GRCh37 (hg19) VCF-style: chr1-47882693-G-T.
Other names: short protein forms E236*.
Identifiers: ClinVar variation 2947078 (VCV002947078.3), dbSNP rs2521321688, ClinGen allele CA340250551.